The following is an entry in ClinVar:

ClinVar aggregate classification (germline): Likely benign. Review status: criteria provided, multiple submitters, no conflicts (2 of 4 stars). 3 submissions from 3 submitters: Likely benign (3). Last evaluated 2025-12-01.

Conditions:
Congenital disorder of glycosylation, type Ii. Also called: CDG Ii; ALG2-congenital disorder of glycosylation; ALG2-CDG. Identifiers: Orphanet 79326, MedGen C1842836, MONDO:0011933, OMIM 607906.
Congenital myasthenic syndrome 14. Also called: Myasthenic syndrome, congenital, 14, with tubular aggregates. Identifiers: Orphanet 353327, Orphanet 590, MedGen C4015597, MONDO:0014543, OMIM 616228.

Allele frequency attached by ClinVar (database versions not stated): ESP Exome Variant Server 0.00008; 1000 Genomes Project 30x 0.00016; 1000 Genomes Project 0.00020.

Submissions (3):

CeGaT Center for Human Genetics Tuebingen
Classification: Likely benign. Last evaluated: 2025-12-01. Review status: criteria provided, single submitter. Criteria: CeGaT Center For Human Genetics Tuebingen Variant Classification Criteria Version 2. Collection method: clinical testing. Allele origin: germline. Affected: yes. Observed: 2 variant alleles.
Comment: ALG2: BP4, BP7

Labcorp Genetics (formerly Invitae), Labcorp
Classification: Likely benign for Congenital disorder of glycosylation, type Ii; Congenital myasthenic syndrome 14. Last evaluated: 2025-10-15. Review status: criteria provided, single submitter. Criteria: Invitae Variant Classification Sherloc (09022015). Collection method: clinical testing. Allele origin: germline.

Blueprint Genetics
Classification: Likely benign. Last evaluated: 2024-11-19. Review status: criteria provided, single submitter. Criteria: ACMG Guidelines, 2015. Collection method: clinical testing. Allele origin: germline.

NM_033087.4(ALG2):c.795C>A (p.Ile265=)

Gene: ALG2 (ALG2 alpha-1,3/1,6-mannosyltransferase; minus strand). Cytogenetic location: 9q22.33.
Variant type: single nucleotide variant.
Coding change: c.795C>A on transcript NM_033087.4 (MANE Select); coding-DNA position 795, C replaced by A.
Protein change: p.Ile265=; no amino-acid change (isoleucine 265 retained).
Molecular consequence: synonymous variant. On other transcripts: non-coding transcript variant (1).
Genome position (GRCh38, 1-based): chr9:99,218,390, G>T on the plus strand (C>A on the coding strand, the complement: ALG2 is on the minus strand). VCF-style: chr9-99218390-G-T. GRCh37 (hg19) VCF-style: chr9-101980672-G-T.
Identifiers: ClinVar variation 1119672 (VCV001119672.32), dbSNP rs183416022, ClinGen allele CA5156250.
Genomic context (GRCh38, chr9:99,218,390, plus strand): 5'-CTTCAATTCCTGATAATGTTCCACATTCTCCAGGACTCTCTCGTCATAACCACCTGCCAC[G>T]ATCAGATGAACCCTCTCCCAATCTTGGGATGTCAATCTTCCACGCAGCTGTACTAGGGCT-3'
Protein context (NP_149078.1, residues 255-275): TSQDWERVHL[Ile265=]VAGGYDERVL